The following is an entry in ClinVar:

NM_030665.4(RAI1):c.2283C>G (p.His761Gln)

Gene: RAI1 (retinoic acid induced 1; plus strand). Cytogenetic location: 17p11.2.
Variant type: single nucleotide variant.
Coding change: c.2283C>G on transcript NM_030665.4 (MANE Select); coding-DNA position 2283, C replaced by G.
Protein change: p.His761Gln; replaces histidine 761 with glutamine.
Molecular consequence: missense variant.
Genome position (GRCh38, 1-based): chr17:17,795,231, C>G. VCF-style: chr17-17795231-C-G. GRCh37 (hg19) VCF-style: chr17-17698545-C-G.
Other names: short protein forms H761Q.
Identifiers: ClinVar variation 4740517 (VCV004740517.1).

ClinVar aggregate classification (germline): Uncertain significance (1 of 4 stars; one submission).

Submission:

Labcorp Genetics (formerly Invitae), Labcorp
Classification: Uncertain significance. Last evaluated: 2026-01-28. Review status: criteria provided, single submitter. Criteria: Invitae Variant Classification Sherloc (09022015). Collection method: clinical testing. Allele origin: germline.
Comment: This sequence change replaces histidine, which is basic and polar, with glutamine, which is neutral and polar, at codon 761 of the RAI1 protein (p.His761Gln). This variant is not present in population databases (gnomAD no frequency). This variant has not been reported in the literature in individuals affected with RAI1-related conditions. Invitae Evidence Modeling of protein sequence and biophysical properties (such as structural, functional, and spatial information, amino acid conservation, physicochemical variation, residue mobility, and thermodynamic stability) indicates that this missense variant is not expected to disrupt RAI1 protein function with a negative predictive value of 80%. In summary, the available evidence is currently insufficient to determine the role of this variant in disease. Therefore, it has been classified as a Variant of Uncertain Significance.